The following is an entry in ClinVar:

ClinVar aggregate classification (germline): Pathogenic. Review status: criteria provided, multiple submitters, no conflicts (2 of 4 stars). 3 submissions from 3 submitters: Pathogenic (2). 1 of the submissions does not count toward it. Last evaluated 2024-07-08.

Conditions:
Aniridia 1 (AN1). Identifiers: Orphanet 250923, MedGen C0344542, MONDO:0024507, OMIM 106210.
Irido-corneo-trabecular dysgenesis (ASGD5). Also called: ANTERIOR SEGMENT DYSGENESIS 5. Identifiers: Orphanet 708, MedGen C0344559, MONDO:0011414, OMIM 604229, HP:0000659.

Submissions (3):

Clinical Genetics and Genomics, Karolinska University Hospital
Classification: Pathogenic for Aniridia 1. Last evaluated: 2024-07-08. Review status: criteria provided, single submitter. Criteria: ACMG Guidelines, 2015. Collection method: clinical testing. Allele origin: germline. Inheritance: Autosomal dominant inheritance. Affected: yes.

Labcorp Genetics (formerly Invitae), Labcorp
Classification: Pathogenic for Aniridia 1; Irido-corneo-trabecular dysgenesis. Last evaluated: 2017-09-30. Review status: criteria provided, single submitter. Criteria: Invitae Variant Classification Sherloc (09022015). Collection method: clinical testing. Allele origin: germline.
Comment: This sequence change creates a premature translational stop signal (p.Thr166Leufs*41) in the PAX6 gene. It is expected to result in an absent or disrupted protein product. This variant is not present in population databases (ExAC no frequency). This variant has been reported to segregate with aniridia in 2 families (PMID: 15889018, 24737507). Loss-of-function variants in PAX6 are known to be pathogenic (PMID: 12634864). For these reasons, this variant has been classified as Pathogenic.

Wessex Regional Genetics Laboratory, Salisbury District Hospital
Classification: Pathogenic for Aniridia 1. Last evaluated: 2019-08-15. Review status: no assertion criteria provided. Criteria: ACMG Guidelines, 2015. Collection method: clinical testing. Allele origin: unknown. Inheritance: Autosomal dominant inheritance. Affected: yes. Not counted in ClinVar's aggregate classification.

Literature cited by the submitters: PubMed 15889018 (cited by Labcorp Genetics (formerly Invitae), Labcorp); PubMed 24737507 (cited by Labcorp Genetics (formerly Invitae), Labcorp); PubMed 12634864 (cited by Labcorp Genetics (formerly Invitae), Labcorp).

NM_001368894.2(PAX6):c.537del (p.Thr180fs)

Gene: PAX6 (paired box 6; minus strand). Cytogenetic location: 11p13.
Variant type: Deletion.
Coding change: c.537del on transcript NM_001368894.2 (MANE Select); coding-DNA position 537, one base deleted (G; older notation c.537delG).
Protein change: p.Thr180fs; shifts the reading frame from threonine 180.
Molecular consequence: frameshift variant. On other transcripts: non-coding transcript variant (2).
Genome position (GRCh38, 1-based): chr11:31,800,719, C deleted on the plus strand (G on the coding strand, the reverse complement: PAX6 is on the minus strand); the first of 4 consecutive C bases (chr11:31,800,719-31,800,722); deleting any one gives the same sequence. VCF-style (leftmost placement, unchanged base first): chr11-31800718-TC-T. GRCh37 (hg19) VCF-style: chr11-31822266-TC-T.
Other names: c.495del, p.Thr166fs (NM_000280.6, NM_001127612.3, NM_001258464.2 and 10 more transcripts); c.537del, p.Thr180fs (NM_001258462.3, NM_001258463.2, NM_001310158.2 and 6 more transcripts); c.87del, p.Thr30fs (NM_001310160.2, NM_001310161.3, NM_001368899.2 and 11 more transcripts); c.738del, p.Thr247fs (NM_001368910.2); c.540del, p.Thr181fs (NM_001368911.2); c.612del, p.Thr205fs (NM_001368918.2, NM_001368919.2); c.570del, p.Thr191fs (NM_001368920.2); c.336del, p.Thr113fs (NM_001368921.2, NM_001368922.2, NM_001368923.2 and 4 more transcripts); and 2 more; short protein forms T30fs, T166fs, T180fs, T181fs, T99fs, T113fs, T191fs, T205fs.
Identifiers: ClinVar variation 460463 (VCV000460463.11), dbSNP rs1554984996, ClinGen allele CA658658044.